The following is an entry in ClinVar:

ClinVar aggregate classification (germline): Uncertain significance. Review status: reviewed by expert panel (3 of 4 stars). 4 submissions from 4 submitters: Uncertain significance (1). 3 of the submissions do not count toward it. Last evaluated 2022-06-30.

Conditions:
Angelman syndrome (AS). Also called: HAPPY PUPPET SYNDROME. Identifiers: Orphanet 72, MedGen C0162635, MONDO:0007113, OMIM 105830. Disease mechanism: loss of function. Inheritance: imprinting disorder, AS is caused by disruption of maternally imprinted UBE3A located within the 15q11.2-q13 Angelman syndrome/Prader-Willi syndrome (AS/PWS) region..

Allele frequency attached by ClinVar (database versions not stated): gnomAD exomes below 0.00001.
gnomAD v4.1: 2 of 1,614,172 alleles (0.00012%); highest among the groups gnomAD compares: Admixed American, 0.0033%; no homozygotes.

Submissions (4):

ClinGen Rett and Angelman-like Disorders Variant Curation Expert Panel
Classification: Uncertain significance for Angelman syndrome. Last evaluated: 2022-06-30. Review status: reviewed by expert panel. Criteria: ClinGen RettAS ACMG Specifications V2. Collection method: curation. Allele origin: germline. Inheritance: Autosomal dominant inheritance.
Comment: The c.947T>C p.(Met316Thr) variant in UBE3A (NM_130838.2) is present in gnomAD v2.1.1 at a frequency of 0.003% in the Latino/Admixed sub population (no criteria met). The p.(Met316Thr) variant in UBE3A has been reported as a de novo occurrence (biological parentage confirmed) in an individual with Angelman syndrome (PMID 27864847) (PS2, PP4), however the gnomAD frequency of this variant means that the PS4 criterion cannot be applied. Computational prediction analysis tools are inconclusive for this variant. In summary, the c.947T>C p.(Met316Thr) variant in UBE3A is classified as a variant of uncertain significance based on the ACMG/AMP criteria (PS2, PP4).

Labcorp Genetics (formerly Invitae), Labcorp
Classification: Uncertain significance for Angelman syndrome. Last evaluated: 2022-06-15. Review status: criteria provided, single submitter. Criteria: Invitae Variant Classification Sherloc (09022015). Collection method: clinical testing. Allele origin: germline. Not counted in ClinVar's aggregate classification.
Comment: In summary, the available evidence is currently insufficient to determine the role of this variant in disease. Therefore, it has been classified as a Variant of Uncertain Significance. This sequence change replaces methionine, which is neutral and non-polar, with threonine, which is neutral and polar, at codon 316 of the UBE3A protein (p.Met316Thr). This variant is present in population databases (no rsID available, gnomAD 0.003%). This variant has not been reported in the literature in individuals affected with UBE3A-related conditions. ClinVar contains an entry for this variant (Variation ID: 217366). Algorithms developed to predict the effect of missense changes on protein structure and function are either unavailable or do not agree on the potential impact of this missense change (SIFT: "Not Available"; PolyPhen-2: "Benign"; Align-GVGD: "Not Available").

Neurogenetics Laboratory - MEYER, AOU Meyer
Classification: Likely pathogenic for Angelman syndrome. Last evaluated: 2016-11-16. Review status: criteria provided, single submitter. Criteria: ACMG Guidelines, 2015. Collection method: clinical testing. Allele origin: de novo. Affected: yes. Observed: 1 heterozygote. Not counted in ClinVar's aggregate classification.
Comment: Correct nomenclature and coordinates: Chr15(GRCh37):g.25616383A>G NM_130839.5(UBE3A):c.1007T>C p.(Leu293Pro) The variant is reported in Parrini et al 2017, PMID 27864847 (Pt 628N, Table S12)

Genomic Diagnostic Laboratory, Division of Genomic Diagnostics, Children's Hospital of Philadelphia
Classification: Uncertain significance. Last evaluated: 2015-03-06. Review status: no assertion criteria provided. Collection method: clinical testing. Allele origin: germline. Not counted in ClinVar's aggregate classification.

Literature cited by the submitters: PubMed 27864847 (cited by Neurogenetics Laboratory - MEYER, AOU Meyer).

NM_130839.5(UBE3A):c.1007T>C (p.Met336Thr)

Genes: SNHG14 (small nucleolar RNA host gene 14; plus strand), UBE3A (ubiquitin protein ligase E3A; minus strand). Cytogenetic location: 15q11.2.
Variant type: single nucleotide variant.
Coding change: c.1007T>C on transcript NM_130839.5 (MANE Select); coding-DNA position 1007, T replaced by C.
Protein change: p.Met336Thr; replaces methionine 336 with threonine.
Molecular consequence: missense variant. On other transcripts: non-coding transcript variant (1), intron variant (2).
Genome position (GRCh38, 1-based): chr15:25,371,167, A>G on the plus strand (T>C on the coding strand, the complement: UBE3A is on the minus strand). VCF-style: chr15-25371167-A-G. GRCh37 (hg19) VCF-style: chr15-25616314-A-G.
Other names: NM_130839.5(UBE3A):c.1007T>C; p.Met336Thr; c.1016T>C, p.Met339Thr (NM_000462.5); c.1007T>C, p.Met336Thr (NM_001354505.1, NM_001354538.2, NM_001354545.2); c.947T>C, p.Met316Thr (NM_001354506.2, NM_001354507.2, NM_001354508.2 and 17 more transcripts); c.830T>C, p.Met277Thr (NM_001354546.2); c.301+4298T>C (NM_001354551.2); c.361+4298T>C (NM_001354550.2); short protein forms M316T, M339T, M277T, M336T.
Identifiers: ClinVar variation 217366 (VCV000217366.8), dbSNP rs863225071, ClinGen allele CA279176.